The following is an entry in ClinVar:

ClinVar aggregate classification (germline): Uncertain significance. Review status: criteria provided, multiple submitters, no conflicts (2 of 4 stars). 3 submissions from 3 submitters: Uncertain significance (3). Last evaluated 2025-11-01.

Conditions:
Inborn genetic diseases. Identifiers: MedGen C0950123, MeSH D030342.
Cone-rod dystrophy 6 (CORD6). Also called: Cone dystrophy progressive; RETINAL CONE DYSTROPHY 2. Identifiers: Orphanet 1872, MedGen C1866293, MONDO:0011143, OMIM 601777.
Leber congenital amaurosis 1 (LCA1). Also called: Congenital absence of the rods and cones; Leber's congenital tapetoretinal degeneration; Leber's congenital tapetoretinal dysplasia; AMAUROSIS CONGENITA OF LEBER I; RETINAL BLINDNESS, CONGENITAL. Identifiers: Orphanet 65, MedGen C2931258, MONDO:0008764, OMIM 204000.

Allele frequency attached by ClinVar (database versions not stated): ExAC 0.00001; gnomAD 0.00003; TOPMed 0.00003.
gnomAD v4.1: 88 of 1,613,886 alleles (0.0055%); highest among the groups gnomAD compares: Non-Finnish European, 0.0074%; no homozygotes.

Submissions (3):

CeGaT Center for Human Genetics Tuebingen
Classification: Uncertain significance. Last evaluated: 2025-11-01. Review status: criteria provided, single submitter. Criteria: CeGaT Center For Human Genetics Tuebingen Variant Classification Criteria Version 2. Collection method: clinical testing. Allele origin: germline. Affected: yes. Observed: 1 variant allele.
Comment: GUCY2D: PM2, BP4

Ambry Genetics
Classification: Uncertain significance for Inborn genetic diseases. Last evaluated: 2023-10-10. Review status: criteria provided, single submitter. Criteria: Ambry Variant Classification Scheme 2023. Collection method: clinical testing. Allele origin: germline.

Labcorp Genetics (formerly Invitae), Labcorp
Classification: Uncertain significance for Leber congenital amaurosis 1; Cone-rod dystrophy 6. Last evaluated: 2021-08-27. Review status: criteria provided, single submitter. Criteria: Invitae Variant Classification Sherloc (09022015). Collection method: clinical testing. Allele origin: germline.
Comment: This sequence change replaces leucine with isoleucine at codon 610 of the GUCY2D protein (p.Leu610Ile). The leucine residue is weakly conserved and there is a small physicochemical difference between leucine and isoleucine. This variant is present in population databases (rs779224998, ExAC 0.002%). This variant has not been reported in the literature in individuals affected with GUCY2D-related conditions. Algorithms developed to predict the effect of missense changes on protein structure and function (SIFT, PolyPhen-2, Align-GVGD) all suggest that this variant is likely to be tolerated. In summary, the available evidence is currently insufficient to determine the role of this variant in disease. Therefore, it has been classified as a Variant of Uncertain Significance.

NM_000180.4(GUCY2D):c.1828C>A (p.Leu610Ile)

Gene: GUCY2D (guanylate cyclase 2D, retinal; plus strand). Cytogenetic location: 17p13.1.
Variant type: single nucleotide variant.
Coding change: c.1828C>A on transcript NM_000180.4 (MANE Select); coding-DNA position 1828, C replaced by A.
Protein change: p.Leu610Ile; replaces leucine 610 with isoleucine.
Molecular consequence: missense variant.
Genome position (GRCh38, 1-based): chr17:8,012,222, C>A. VCF-style: chr17-8012222-C-A. GRCh37 (hg19) VCF-style: chr17-7915540-C-A.
Other names: c.1828C>A (NM_000180.3); short protein forms L610I.
Identifiers: ClinVar variation 1022425 (VCV001022425.13), dbSNP rs779224998, ClinGen allele CA8365912.
Genomic context (GRCh38, chr17:8,012,222, plus strand): 5'-GAGAACGTGGCCCTCTACCTGGGGCTTTTCCTGGCTCGGGGAGCAGAAGGCCCTGCGGCC[C>A]TCTGGGAGGGCAACCTGGCTGTGGTCTCAGAGCACTGCACGCGGGGCTCTCTTCAGGACC-3'
Protein context (NP_000171.1, residues 600-620): LARGAEGPAA[Leu610Ile]WEGNLAVVSE